The following is an entry in ClinVar:

NM_001148.6(ANK2):c.4468C>T (p.His1490Tyr)

Gene: ANK2 (ankyrin 2; plus strand). Cytogenetic location: 4q26.
Variant type: single nucleotide variant.
Coding change: c.4468C>T on transcript NM_001148.6 (MANE Select); coding-DNA position 4468, C replaced by T.
Protein change: p.His1490Tyr; replaces histidine 1490 with tyrosine.
Molecular consequence: missense variant. On other transcripts: intron variant (68).
Genome position (GRCh38, 1-based): chr4:113,353,086, C>T. VCF-style: chr4-113353086-C-T. GRCh37 (hg19) VCF-style: chr4-114274242-C-T.
Other names: c.4234C>T, p.His1412Tyr (NM_001386142.1); c.868C>T, p.His290Tyr (NM_001386166.1); c.4609C>T, p.His1537Tyr (NM_001386174.1); c.4585C>T, p.His1529Tyr (NM_001386175.1); c.4411+2837C>T (NM_001386186.2, NM_001386148.2); c.4213+2837C>T (NM_001354269.3); c.4291+2837C>T (NM_001386187.2); c.4252+2837C>T (NM_001386147.1); and 35 more; short protein forms H1412Y, H1490Y, H1529Y, H1537Y, H290Y.
Identifiers: ClinVar variation 3369925 (VCV003369925.1).

ClinVar aggregate classification (germline): Uncertain significance (1 of 4 stars; one submission).

Submission:

GeneDx
Classification: Uncertain significance. Last evaluated: 2024-03-04. Review status: criteria provided, single submitter. Criteria: GeneDx Variant Classification Process June 2021. Collection method: clinical testing. Allele origin: germline. Affected: yes.
Comment: Not observed at significant frequency in large population cohorts (gnomAD); In silico analysis supports that this missense variant does not alter protein structure/function; Has not been previously published as pathogenic or benign to our knowledge